The following is an entry in ClinVar:

ClinVar aggregate classification (germline): Uncertain significance (1 of 4 stars; one submission).

Conditions:
Sulfite oxidase deficiency due to molybdenum cofactor deficiency type A. Also called: Molybdenum cofactor deficiency, complementation group A; Molybdenum Cofactor Deficiency A. Identifiers: Orphanet 308386, Orphanet 833, MedGen C1854988, MONDO:0009643, OMIM 252150.

Allele frequency attached by ClinVar (database versions not stated): TOPMed below 0.00001; gnomAD 0.00001.
gnomAD v4.1: 2 of 1,614,102 alleles (0.00012%); highest among the groups gnomAD compares: Admixed American, 0.0017%; no homozygotes.

Submission:

Labcorp Genetics (formerly Invitae), Labcorp
Classification: Uncertain significance for Sulfite oxidase deficiency due to molybdenum cofactor deficiency type A. Last evaluated: 2022-05-30. Review status: criteria provided, single submitter. Criteria: Invitae Variant Classification Sherloc (09022015). Collection method: clinical testing. Allele origin: germline.
Comment: This sequence change replaces glutamic acid, which is acidic and polar, with glycine, which is neutral and non-polar, at codon 503 of the MOCS1 protein (p.Glu503Gly). This variant is not present in population databases (gnomAD no frequency). This variant has not been reported in the literature in individuals affected with MOCS1-related conditions. Algorithms developed to predict the effect of missense changes on protein structure and function are either unavailable or do not agree on the potential impact of this missense change (SIFT: "Not Available"; PolyPhen-2: "Benign"; Align-GVGD: "Not Available"). In summary, the available evidence is currently insufficient to determine the role of this variant in disease. Therefore, it has been classified as a Variant of Uncertain Significance.

NM_001358530.2(MOCS1):c.1508A>G (p.Glu503Gly)

Gene: MOCS1 (molybdenum cofactor synthesis 1; minus strand). Cytogenetic location: 6p21.2.
Variant type: single nucleotide variant.
Coding change: c.1508A>G on transcript NM_001358530.2 (MANE Select); coding-DNA position 1508, A replaced by G.
Protein change: p.Glu503Gly; replaces glutamic acid 503 with glycine.
Molecular consequence: missense variant. On other transcripts: 3 prime UTR variant (4), non-coding transcript variant (1).
Genome position (GRCh38, 1-based): chr6:39,906,760, T>C on the plus strand (A>G on the coding strand, the complement: MOCS1 is on the minus strand). VCF-style: chr6-39906760-T-C. GRCh37 (hg19) VCF-style: chr6-39874536-T-C.
Other names: c.*365A>G (NM_001075098.4, NM_001358533.2, NM_001358534.2 and 1 more transcripts); c.1460A>G, p.Glu487Gly (NM_001358529.2); c.1247A>G, p.Glu416Gly (NM_001358531.2); short protein forms E416G, E487G, E503G.
Identifiers: ClinVar variation 2134864 (VCV002134864.1), dbSNP rs1318848988, ClinGen allele CA364039811.